The following is an entry in ClinVar:

ClinVar aggregate classification (germline): Uncertain significance. Review status: criteria provided, multiple submitters, no conflicts (2 of 4 stars). 2 submissions from 2 submitters: Uncertain significance (2). Last evaluated 2025-10-01.

Conditions:
Hypertrophic cardiomyopathy 14. Identifiers: MedGen C2750467, MONDO:0013197, OMIM 613251.

Submissions (2):

Dasa
Classification: Uncertain significance. Last evaluated: 2025-10-01. Review status: criteria provided, single submitter. Criteria: DASA Assertion Criteria. Collection method: clinical testing. Allele origin: germline.
Comment: NM_002471.4(MYH6):c.5524A>T (p.Met1842Leu) is a missense variant that results in the substitution of methionine with leucine. This variant is rare in population databases. The currently available literature and clinical evidence are not sufficient to establish a definitive association between this variant and the reported condition. Therefore, this variant is classified as a variant of uncertain significance.

Labcorp Genetics (formerly Invitae), Labcorp
Classification: Uncertain significance for Hypertrophic cardiomyopathy 14. Last evaluated: 2022-02-04. Review status: criteria provided, single submitter. Criteria: Invitae Variant Classification Sherloc (09022015). Collection method: clinical testing. Allele origin: germline.
Comment: In summary, the available evidence is currently insufficient to determine the role of this variant in disease. Therefore, it has been classified as a Variant of Uncertain Significance. Algorithms developed to predict the effect of missense changes on protein structure and function (SIFT, PolyPhen-2, Align-GVGD) all suggest that this variant is likely to be tolerated. ClinVar contains an entry for this variant (Variation ID: 568361). This variant has not been reported in the literature in individuals affected with MYH6-related conditions. This variant is present in population databases (no rsID available, gnomAD 0.006%). This sequence change replaces methionine, which is neutral and non-polar, with leucine, which is neutral and non-polar, at codon 1842 of the MYH6 protein (p.Met1842Leu).

NM_002471.4(MYH6):c.5524A>T (p.Met1842Leu)

Gene: MYH6 (myosin heavy chain 6; minus strand). Cytogenetic location: 14q11.2.
Variant type: single nucleotide variant.
Coding change: c.5524A>T on transcript NM_002471.4 (MANE Select); coding-DNA position 5524, A replaced by T.
Protein change: p.Met1842Leu; replaces methionine 1842 with leucine.
Molecular consequence: missense variant.
Genome position (GRCh38, 1-based): chr14:23,384,483, T>A on the plus strand (A>T on the coding strand, the complement: MYH6 is on the minus strand). VCF-style: chr14-23384483-T-A. GRCh37 (hg19) VCF-style: chr14-23853692-T-A.
Other names: short protein forms M1842L.
Identifiers: ClinVar variation 568361 (VCV000568361.10), dbSNP rs754070802, ClinGen allele CA388983985.